The following is an entry in ClinVar:

ClinVar aggregate classification (germline): Uncertain significance. Review status: criteria provided, multiple submitters, no conflicts (2 of 4 stars). 2 submissions from 2 submitters: Uncertain significance (2). Last evaluated 2026-01-14.

Allele frequency attached by ClinVar (database versions not stated): gnomAD 0.00001 and 0.00002; TOPMed 0.00002; gnomAD exomes 0.00007; ExAC 0.00019.
gnomAD v4.1: 43 of 1,534,792 alleles (0.0028%); highest among the groups gnomAD compares: South Asian, 0.047%; no homozygotes.

Submissions (2):

Labcorp Genetics (formerly Invitae), Labcorp
Classification: Uncertain significance. Last evaluated: 2026-01-14. Review status: criteria provided, single submitter. Criteria: Invitae Variant Classification Sherloc (09022015). Collection method: clinical testing. Allele origin: germline.
Comment: This sequence change replaces alanine, which is neutral and non-polar, with proline, which is neutral and non-polar, at codon 2 of the ACER3 protein (p.Ala2Pro). This variant is present in population databases (rs777604778, gnomAD 0.05%). This variant has not been reported in the literature in individuals affected with ACER3-related conditions. ClinVar contains an entry for this variant (Variation ID: 1489208). An algorithm developed to predict the effect of missense changes on protein structure and function (PolyPhen-2) suggests that this variant is likely to be disruptive. In summary, the available evidence is currently insufficient to determine the role of this variant in disease. Therefore, it has been classified as a Variant of Uncertain Significance.

Ambry Genetics
Classification: Uncertain significance. Last evaluated: 2021-09-15. Review status: criteria provided, single submitter. Criteria: Ambry Variant Classification Scheme 2023. Collection method: clinical testing. Allele origin: germline.

NM_018367.7(ACER3):c.4G>C (p.Ala2Pro)

Genes: ACER3 (alkaline ceramidase 3; plus strand), LOC130006476 (ATAC-STARR-seq lymphoblastoid silent region 3792; plus strand). Cytogenetic location: 11q13.5.
Variant type: single nucleotide variant.
Coding change: c.4G>C on transcript NM_018367.7 (MANE Select); coding-DNA position 4, G replaced by C.
Protein change: p.Ala2Pro; replaces alanine 2 with proline.
Molecular consequence: missense variant. On other transcripts: 5 prime UTR variant (2).
Genome position (GRCh38, 1-based): chr11:76,860,980, G>C. VCF-style: chr11-76860980-G-C. GRCh37 (hg19) VCF-style: chr11-76572024-G-C.
Other names: c.4G>C (NM_018367.5); c.4G>C, p.Ala2Pro (NM_001300953.2); c.-353G>C (NM_001300954.2); c.-229G>C (NM_001300955.2); short protein forms A2P.
Identifiers: ClinVar variation 1489208 (VCV001489208.9), dbSNP rs777604778, ClinGen allele CA6195533.